The following is an entry in ClinVar:

ClinVar aggregate classification (germline): Uncertain significance. Review status: criteria provided, multiple submitters, no conflicts (2 of 4 stars). 4 submissions from 4 submitters: Uncertain significance (3). 1 of the submissions does not count toward it. Last evaluated 2023-04-11.

Conditions:
Cobalamin C disease. Also called: Methylmalonic aciduria and homocystinuria, Vitamin B12-responsive; Vitamin B12 metabolic defect with combined deficiency of methylmalonyl-CoA mutase and homocysteine:methyltetrahydrofolate methyltransferase; methylmalonic aciduria and homocystinuria type cblC; Cobalamin-C methylmalonic acidemia and homocystinuria; Methylmalonic acidemia and homocystinuria cblC type; Methylmalonic aciduria with homocystinuria cblC type. Identifiers: Orphanet 26, Orphanet 79282, MedGen C1848561, MONDO:0010184, OMIM 277400.

Allele frequency attached by ClinVar (database versions not stated): ExAC 0.00001; gnomAD exomes 0.00001 and 0.00004; TOPMed 0.00002; gnomAD 0.00003 and 0.00004.
gnomAD v4.1: 59 of 1,614,022 alleles (0.0037%); highest among the groups gnomAD compares: Non-Finnish European, 0.0049%; no homozygotes.

Submissions (4):

Genome-Nilou Lab
Classification: Uncertain significance for Cobalamin C disease. Last evaluated: 2023-04-11. Review status: criteria provided, single submitter. Criteria: ACMG Guidelines, 2015. Collection method: clinical testing. Allele origin: germline. Affected: no.

Fulgent Genetics
Classification: Uncertain significance for Cobalamin C disease. Last evaluated: 2022-05-02. Review status: criteria provided, single submitter. Criteria: ACMG Guidelines, 2015. Collection method: clinical testing. Allele origin: unknown.

Labcorp Genetics (formerly Invitae), Labcorp
Classification: Uncertain significance for Cobalamin C disease. Last evaluated: 2022-01-06. Review status: criteria provided, single submitter. Criteria: Invitae Variant Classification Sherloc (09022015). Collection method: clinical testing. Allele origin: germline.
Comment: This sequence change replaces tryptophan, which is neutral and slightly polar, with arginine, which is basic and polar, at codon 30 of the MMACHC protein (p.Trp30Arg). This variant is present in population databases (rs745419717, gnomAD 0.002%). This variant has not been reported in the literature in individuals affected with MMACHC-related conditions. ClinVar contains an entry for this variant (Variation ID: 565977). Advanced modeling of protein sequence and biophysical properties (such as structural, functional, and spatial information, amino acid conservation, physicochemical variation, residue mobility, and thermodynamic stability) performed at Invitae indicates that this missense variant is expected to disrupt MMACHC protein function. In summary, the available evidence is currently insufficient to determine the role of this variant in disease. Therefore, it has been classified as a Variant of Uncertain Significance.

Natera, Inc.
Classification: Uncertain significance for Methylmalonic aciduria and homocystinuria cblC type. Last evaluated: 2020-04-07. Review status: no assertion criteria provided. Collection method: clinical testing. Allele origin: germline. Not counted in ClinVar's aggregate classification.

NM_015506.3(MMACHC):c.88T>C (p.Trp30Arg)

Gene: MMACHC (metabolism of cobalamin associated C; plus strand). Cytogenetic location: 1p34.1.
Variant type: single nucleotide variant.
Coding change: c.88T>C on transcript NM_015506.3 (MANE Select); coding-DNA position 88, T replaced by C.
Protein change: p.Trp30Arg; replaces tryptophan 30 with arginine.
Molecular consequence: missense variant. On other transcripts: 5 prime UTR variant (1).
Genome position (GRCh38, 1-based): chr1:45,507,362, T>C. VCF-style: chr1-45507362-T-C. GRCh37 (hg19) VCF-style: chr1-45973034-T-C.
Other names: c.-84T>C (NM_001330540.2); short protein forms W30R.
Identifiers: ClinVar variation 565977 (VCV000565977.12), dbSNP rs745419717, ClinGen allele CA827639.